The following is an entry in ClinVar:

ClinVar aggregate classification (germline): Uncertain significance (1 of 4 stars; one submission).

Allele frequency attached by ClinVar (database versions not stated): TOPMed 0.00001.
gnomAD v4.1: 39 of 1,612,324 alleles (0.0024%); highest among the groups gnomAD compares: Non-Finnish European, 0.0029%; no homozygotes.

Submission:

Labcorp Genetics (formerly Invitae), Labcorp
Classification: Uncertain significance. Last evaluated: 2023-12-04. Review status: criteria provided, single submitter. Criteria: Invitae Variant Classification Sherloc (09022015). Collection method: clinical testing. Allele origin: germline.
Comment: This sequence change replaces glycine, which is neutral and non-polar, with arginine, which is basic and polar, at codon 411 of the CASZ1 protein (p.Gly411Arg). This variant is present in population databases (rs746340050, gnomAD 0.003%). This variant has not been reported in the literature in individuals affected with CASZ1-related conditions. An algorithm developed to predict the effect of missense changes on protein structure and function (PolyPhen-2) suggests that this variant is likely to be disruptive. In summary, the available evidence is currently insufficient to determine the role of this variant in disease. Therefore, it has been classified as a Variant of Uncertain Significance.

NM_001079843.3(CASZ1):c.1231G>A (p.Gly411Arg)

Gene: CASZ1 (castor zinc finger 1; minus strand). Cytogenetic location: 1p36.22.
Variant type: single nucleotide variant.
Coding change: c.1231G>A on transcript NM_001079843.3 (MANE Select); coding-DNA position 1231, G replaced by A.
Protein change: p.Gly411Arg; replaces glycine 411 with arginine.
Molecular consequence: missense variant.
Genome position (GRCh38, 1-based): chr1:10,659,811, C>T on the plus strand (G>A on the coding strand, the complement: CASZ1 is on the minus strand). VCF-style: chr1-10659811-C-T. GRCh37 (hg19) VCF-style: chr1-10719868-C-T.
Other names: c.1231G>A, p.Gly411Arg (NM_017766.5); short protein forms G411R.
Identifiers: ClinVar variation 2973603 (VCV002973603.3), dbSNP rs746340050, ClinGen allele CA585193.